The following is an entry in ClinVar:

ClinVar aggregate classification (germline): Pathogenic. Review status: reviewed by expert panel (3 of 4 stars). 3 submissions from 3 submitters: Pathogenic (1). 2 of the submissions do not count toward it. Last evaluated 2016-10-18.

Conditions:
Hereditary breast ovarian cancer syndrome. Also called: Hereditary breast and ovarian cancer syndrome; Hereditary breast and ovarian cancer; Hereditary breast and ovarian cancer syndrome (HBOC); Breast and ovarian cancer; Hereditary breast and/or ovarian cancer syndrome; BRCA1- and BRCA2-Associated Hereditary Breast and Ovarian Cancer. Identifiers: Orphanet 145, MedGen C0677776, MeSH D061325, MONDO:0003582. Disease mechanism: loss of function.
Breast-ovarian cancer, familial, susceptibility to, 2 (BROVCA2). Also called: BRCA2 Hereditary Breast and Ovarian Cancer. Identifiers: Orphanet 145, MedGen C2675520, MONDO:0012933, OMIM 612555. Disease mechanism: loss of function.

Submissions (3):

Evidence-based Network for the Interpretation of Germline Mutant Alleles (ENIGMA)
Classification: Pathogenic for Breast-ovarian cancer, familial, susceptibility to, 2. Last evaluated: 2016-10-18. Review status: reviewed by expert panel. Criteria: ENIGMA BRCA1/2 Classification Criteria (2015). Collection method: curation. Allele origin: germline.
Comment: Variant allele predicted to encode a truncated non-functional protein.

Labcorp Genetics (formerly Invitae), Labcorp
Classification: Pathogenic for Hereditary breast ovarian cancer syndrome. Last evaluated: 2021-07-23. Review status: criteria provided, single submitter. Criteria: Invitae Variant Classification Sherloc (09022015). Collection method: clinical testing. Allele origin: germline. Not counted in ClinVar's aggregate classification.
Comment: This variant is also known as 5581delAC. This sequence change creates a premature translational stop signal (p.Thr1785*) in the BRCA2 gene. It is expected to result in an absent or disrupted protein product. Loss-of-function variants in BRCA2 are known to be pathogenic (PMID: 20104584). This variant is not present in population databases (ExAC no frequency). This premature translational stop signal has been observed in individual(s) with breast cancer (PMID: 22034289, 28664506). ClinVar contains an entry for this variant (Variation ID: 51846). For these reasons, this variant has been classified as Pathogenic.

Consortium of Investigators of Modifiers of BRCA1/2 (CIMBA), c/o University of Cambridge
Classification: Pathogenic for Breast-ovarian cancer, familial, susceptibility to, 2. Last evaluated: 2015-10-02. Review status: criteria provided, single submitter. Criteria: CIMBA Mutation Classification guidelines May 2016. Collection method: clinical testing. Allele origin: germline. Not counted in ClinVar's aggregate classification.

Literature cited by the submitters: PubMed 20104584 (cited by Labcorp Genetics (formerly Invitae), Labcorp); PubMed 22034289 (cited by Labcorp Genetics (formerly Invitae), Labcorp); PubMed 28664506 (cited by Labcorp Genetics (formerly Invitae), Labcorp).

NM_000059.4(BRCA2):c.5353_5354del (p.Asn1784_Thr1785insTer)

Gene: BRCA2 (BRCA2 DNA repair associated; plus strand). Cytogenetic location: 13q13.1.
Variant type: Microsatellite.
Coding change: c.5353_5354del on transcript NM_000059.4 (MANE Select); coding-DNA positions 5353 to 5354, 2 bases deleted (AC; older notation c.5353_5354delAC).
Protein change: p.Asn1784_Thr1785insTer.
Molecular consequence: nonsense.
Genome position (GRCh38, 1-based): chr13:32,339,708-32,339,709, AC deleted; deleting any 2 consecutive bases within chr13:32,339,706-32,339,709 gives the same sequence; the c. name uses the placement nearest the transcript's 3' end. VCF-style (leftmost placement, unchanged base first): chr13-32339705-AAC-A. GRCh37 (hg19) VCF-style: chr13-32913842-AAC-A.
Other names: 5581delAC; c.5353_5354delAC (NM_000059.3).
Identifiers: ClinVar variation 51846 (VCV000051846.13), dbSNP rs397507780, ClinGen allele CA022123.